The following is an entry in ClinVar:

NM_177438.3(DICER1):c.3329T>G (p.Ile1110Ser)

Gene: DICER1 (dicer 1, ribonuclease III; minus strand). Cytogenetic location: 14q32.13.
Variant type: single nucleotide variant.
Coding change: c.3329T>G on transcript NM_177438.3 (MANE Select); coding-DNA position 3329, T replaced by G.
Protein change: p.Ile1110Ser; replaces isoleucine 1110 with serine.
Molecular consequence: missense variant.
Genome position (GRCh38, 1-based): chr14:95,104,067, A>C on the plus strand (T>G on the coding strand, the complement: DICER1 is on the minus strand). VCF-style: chr14-95104067-A-C. GRCh37 (hg19) VCF-style: chr14-95570404-A-C.
Other names: c.3329T>G, p.Ile1110Ser (NM_001195573.1, NM_001271282.3, NM_001291628.2 and 1 more transcripts); short protein forms I1110S.
Identifiers: ClinVar variation 412051 (VCV000412051.16), dbSNP rs759760077, ClinGen allele CA7331054.
Genomic context (GRCh38, chr14:95,104,067, plus strand): 5'-TCAGGGACAATTGTGCTGTGCTTACAGTAATTATCATTTTCAGCTGAAGAGGAGTTAGAA[A>C]TTGAGATGAAAGATTTGCTGTCAATAGATTTTTTCCACCCGAAGTCTAAGTTAGGGTATC-3'
Protein context (NP_803187.1, residues 1100-1120): KSIDSKSFIS[Ile1110Ser]SNSSSAENDN

ClinVar aggregate classification (germline): Conflicting classifications of pathogenicity. Review status: criteria provided, conflicting classifications (1 of 4 stars). 3 submissions from 3 submitters: Uncertain significance (2); Likely benign (1). Last evaluated 2026-01-10.

Conditions:
Hereditary cancer-predisposing syndrome. Also called: Hereditary neoplastic syndrome; Neoplastic Syndromes, Hereditary; Tumor predisposition; Hereditary Cancer Syndrome. Identifiers: Orphanet 140162, MedGen C0027672, MeSH D009386, MONDO:0015356.
DICER1-related tumor predisposition. Also called: DICER1-related pleuropulmonary blastoma cancer predisposition syndrome; DICER1 syndrome. Identifiers: Orphanet 284343, MedGen C3839822, MONDO:0100216.

Allele frequency attached by ClinVar (database versions not stated): gnomAD exomes below 0.00001 and 0.00001; ExAC 0.00001; gnomAD 0.00001; TOPMed 0.00001.
gnomAD v4.1: 22 of 1,613,984 alleles (0.0014%); highest among the groups gnomAD compares: East Asian, 0.0045%; no homozygotes.

Submissions (3):

Labcorp Genetics (formerly Invitae), Labcorp
Classification: Uncertain significance for DICER1-related tumor predisposition. Last evaluated: 2026-01-10. Review status: criteria provided, single submitter. Criteria: Invitae Variant Classification Sherloc (09022015). Collection method: clinical testing. Allele origin: germline.
Comment: This sequence change replaces isoleucine, which is neutral and non-polar, with serine, which is neutral and polar, at codon 1110 of the DICER1 protein (p.Ile1110Ser). This variant is present in population databases (rs759760077, gnomAD 0.005%). This variant has not been reported in the literature in individuals affected with DICER1-related conditions. ClinVar contains an entry for this variant (Variation ID: 412051). Invitae Evidence Modeling of protein sequence and biophysical properties (such as structural, functional, and spatial information, amino acid conservation, physicochemical variation, residue mobility, and thermodynamic stability) indicates that this missense variant is not expected to disrupt DICER1 protein function with a negative predictive value of 95%. RNA analysis performed to evaluate the impact of this missense change on mRNA splicing indicates it does not significantly alter splicing (internal data). In summary, the available evidence is currently insufficient to determine the role of this variant in disease. Therefore, it has been classified as a Variant of Uncertain Significance.

Ambry Genetics
Classification: Likely benign for Hereditary cancer-predisposing syndrome. Last evaluated: 2024-05-31. Review status: criteria provided, single submitter. Criteria: Ambry Variant Classification Scheme 2023. Collection method: clinical testing. Allele origin: germline.

Sema4
Classification: Uncertain significance for Hereditary cancer-predisposing syndrome. Last evaluated: 2021-04-11. Review status: criteria provided, single submitter. Criteria: Sema4 Curation Guidelines. Collection method: curation. Allele origin: germline.
Comment: To the best of our knowledge, the DICER1 c.3329T>G (p.I1110S) variant has not been reported in individuals with DICER1-related disease. It was observed in 2/282172 chromosomes in the large and broad cohorts of the Genome Aggregation Database. The variant has been reported in ClinVar (Variation ID 412051). In silico tools suggest the impact of the variant on protein function is benign, though these predictions have not been confirmed by functional studies. The evidence is insufficient to meet ACMG/AMP criteria for classifying the variant as benign or pathogenic. Thus, the clinical significance of this variant is currently uncertain.

Literature cited by the submitters: PubMed 23620094 (cited by Ambry Genetics).